The following is an entry in ClinVar:

ClinVar aggregate classification (germline): Conflicting classifications of pathogenicity. Review status: criteria provided, conflicting classifications (1 of 4 stars). 13 submissions from 13 submitters: Uncertain significance (7); Likely benign (3). 3 of the submissions do not count toward it. Last evaluated 2026-09-01.

Conditions:
Autosomal dominant polycystic liver disease. Also called: Congenital cystic disease of liver; Polycystic liver disease. Identifiers: Orphanet 2924, MedGen C0158683, MONDO:0000447, HP:0006557.
PKHD1-related disorder. Also called: PKHD1-related condition.
Polycystic kidney disease 4 (PKD4). Also called: POLYCYSTIC KIDNEY DISEASE 4 WITH OR WITHOUT POLYCYSTIC LIVER DISEASE; PKD3; Autosomal Recessive Polycystic Kidney Disease – PKHD1; POLYCYSTIC KIDNEY AND HEPATIC DISEASE 1; POLYCYSTIC KIDNEY DISEASE, INFANTILE, TYPE I. Identifiers: MedGen C4540575, MONDO:0033004, OMIM 263200.
Inborn genetic diseases. Identifiers: MedGen C0950123, MeSH D030342.
Autosomal recessive polycystic kidney disease (ARPKD). Also called: AR polycystic kidney disease. Identifiers: Orphanet 731, Orphanet 8378, MedGen C0085548, MeSH D017044, MONDO:0009889.

Allele frequency attached by ClinVar (database versions not stated): 1000 Genomes Project 30x 0.00031; 1000 Genomes Project 0.00040; ExAC 0.00049; gnomAD exomes 0.00053 and 0.00109; gnomAD 0.00061 and 0.00063; ESP Exome Variant Server 0.00077; TOPMed 0.00085.
gnomAD v4.1: 1,713 of 1,612,762 alleles (0.11%); highest among the groups gnomAD compares: Non-Finnish European, 0.13%; 4 homozygotes.

Submissions (13):

Myriad Genetics, Inc.
Classification: Uncertain significance for Polycystic kidney disease 4. Last evaluated: 2026-09-01. Review status: criteria provided, single submitter. Criteria: Myriad Autosomal Dominant, Autosomal Recessive and X-Linked Classification Criteria (2023). Collection method: clinical testing. Allele origin: unknown.
Comment: NM_138694.3(PKHD1):c.1676G>A(R559Q) is a missense variant classified as a variant of uncertain significance in the context of autosomal recessive polycystic kidney disease, PKHD1-related. R559Q has been observed in cases with relevant disease (PMID: 37353797, 37598857). Relevant functional assessments of this variant are not available in the literature. R559Q has been observed in referenced population frequency databases. In summary, there is insufficient evidence to classify NM_138694.3(PKHD1):c.1676G>A(R559Q) as pathogenic or benign. Please note: this variant was assessed in the context of healthy population screening.

Labcorp Genetics (formerly Invitae), Labcorp
Classification: Likely benign for Autosomal recessive polycystic kidney disease. Last evaluated: 2026-01-31. Review status: criteria provided, single submitter. Criteria: Invitae Variant Classification Sherloc (09022015). Collection method: clinical testing. Allele origin: germline.

CeGaT Center for Human Genetics Tuebingen
Classification: Likely benign. Last evaluated: 2025-11-01. Review status: criteria provided, single submitter. Criteria: CeGaT Center For Human Genetics Tuebingen Variant Classification Criteria Version 2. Collection method: clinical testing. Allele origin: germline. Affected: yes. Observed: 2 variant alleles.
Comment: PKHD1: BP4

Mayo Clinic Laboratories, Mayo Clinic
Classification: Uncertain significance. Last evaluated: 2025-02-15. Review status: criteria provided, single submitter. Criteria: ACMG Guidelines, 2015. Collection method: clinical testing. Allele origin: germline. Observed: 2 variant alleles.

Blueprint Genetics
Classification: Likely benign. Last evaluated: 2024-10-21. Review status: criteria provided, single submitter. Criteria: ACMG Guidelines, 2015. Collection method: clinical testing. Allele origin: germline.

GeneDx
Classification: Uncertain significance. Last evaluated: 2023-04-30. Review status: criteria provided, single submitter. Criteria: GeneDx Variant Classification Process June 2021. Collection method: clinical testing. Allele origin: germline. Affected: yes.
Comment: In silico analysis supports that this missense variant does not alter protein structure/function; Has not been previously published as pathogenic or benign to our knowledge

Ambry Genetics
Classification: Uncertain significance for Inborn genetic diseases. Last evaluated: 2022-06-02. Review status: criteria provided, single submitter. Criteria: Ambry Variant Classification Scheme 2023. Collection method: clinical testing. Allele origin: germline.

Baylor Genetics
Classification: Uncertain significance for Polycystic kidney disease 4. Last evaluated: 2018-08-06. Review status: criteria provided, single submitter. Criteria: ACMG Guidelines, 2015. Collection method: clinical testing. Allele origin: maternal. Affected: yes.
Comment: This variant was determined to be of uncertain significance according to ACMG Guidelines, 2015 [PMID:25741868].

Illumina Laboratory Services, Illumina
Classification: Uncertain significance for Polycystic kidney disease 4. Last evaluated: 2018-01-13. Review status: criteria provided, single submitter. Criteria: ICSL Variant Classification Criteria 13 December 2019. Collection method: clinical testing. Allele origin: germline.

Eurofins Ntd Llc (ga)
Classification: Uncertain significance. Last evaluated: 2017-04-18. Review status: criteria provided, single submitter. Criteria: EGL Classification Definitions 2015. Collection method: clinical testing. Allele origin: germline. Observed: 4 variant alleles, 4 heterozygotes.

PreventionGenetics, part of Exact Sciences
Classification: Uncertain significance for PKHD1-related condition. Last evaluated: 2024-03-27. Review status: no assertion criteria provided. Collection method: clinical testing. Allele origin: germline. Not counted in ClinVar's aggregate classification.
Comment: The PKHD1 c.1676G>A variant is predicted to result in the amino acid substitution p.Arg559Gln. To our knowledge, this variant has not been reported in the literature. This variant is reported in 0.089% of alleles in individuals of European (Non-Finnish) descent in gnomAD. Of note, a different substitution at the same codon, defined as c.1675C>T (p.Arg559Trp), was reported in the compound heterozygous state with another PKHD1 missense variant in an individual with polycystic kidney disease, but this individual is also heterozygous for a missense variant in PKD1 (Hu et al. 2021. PubMed ID: 34032358). Although we suspect this variant may be benign, at this time, the clinical significance of this variant is uncertain due to the absence of conclusive functional and genetic evidence.

Laboratory of Gastroenterology and Hepatology, Radboud University Medical Center
Classification: Uncertain significance for Autosomal dominant polycystic liver disease. Last evaluated: 2021-09-01. Review status: no assertion criteria provided. Collection method: research. Allele origin: germline. Affected: yes. Not counted in ClinVar's aggregate classification.

Natera, Inc.
Classification: Uncertain significance for Autosomal recessive polycystic kidney disease. Last evaluated: 2018-05-18. Review status: no assertion criteria provided. Collection method: clinical testing. Allele origin: germline. Not counted in ClinVar's aggregate classification.

Literature cited by the submitters: PubMed 37353797 (cited by Myriad Genetics, Inc.); PubMed 37598857 (cited by Myriad Genetics, Inc.); PubMed 31395617 (cited by Mayo Clinic Laboratories, Mayo Clinic); PubMed 33774617 (cited by Mayo Clinic Laboratories, Mayo Clinic).

NM_138694.4(PKHD1):c.1676G>A (p.Arg559Gln)

Gene: PKHD1 (PKHD1 ciliary IPT domain containing fibrocystin/polyductin; minus strand). Cytogenetic location: 6p12.2.
Variant type: single nucleotide variant.
Coding change: c.1676G>A on transcript NM_138694.4 (MANE Select); coding-DNA position 1676, G replaced by A.
Protein change: p.Arg559Gln; replaces arginine 559 with glutamine.
Molecular consequence: missense variant.
Genome position (GRCh38, 1-based): chr6:52,056,715, C>T on the plus strand (G>A on the coding strand, the complement: PKHD1 is on the minus strand). VCF-style: chr6-52056715-C-T. GRCh37 (hg19) VCF-style: chr6-51921513-C-T.
Other names: p.Arg559Gln; c.1676G>A, p.Arg559Gln (NM_170724.3); short protein forms R559Q.
Identifiers: ClinVar variation 291029 (VCV000291029.58), dbSNP rs142896856, ClinGen allele CA3853487.